The following is an entry in ClinVar:

NM_001160372.4(TRAPPC9):c.2727T>C (p.Asp909=)

Gene: TRAPPC9 (trafficking protein particle complex subunit 9; minus strand). Cytogenetic location: 8q24.3.
Variant type: single nucleotide variant.
Coding change: c.2727T>C on transcript NM_001160372.4 (MANE Select); coding-DNA position 2727, T replaced by C.
Protein change: p.Asp909=; no amino-acid change (aspartic acid 909 retained).
Molecular consequence: synonymous variant. On other transcripts: non-coding transcript variant (1), intron variant (1).
Genome position (GRCh38, 1-based): chr8:139,988,809, A>G on the plus strand (T>C on the coding strand, the complement: TRAPPC9 is on the minus strand). VCF-style: chr8-139988809-A-G. GRCh37 (hg19) VCF-style: chr8-140999017-A-G.
Other names: c.2700T>C, p.Asp900= (NM_001321646.2); c.2748T>C, p.Asp916= (NM_001374682.1); c.2583T>C, p.Asp861= (NM_001374684.1); c.2727T>C, p.Asp909= (NM_031466.8); c.2699+35128T>C (NM_001374683.1).
Identifiers: ClinVar variation 3029757 (VCV003029757.2), dbSNP rs2537256055, ClinGen allele CA463212932.

ClinVar aggregate classification (germline): Likely benign (0 of 4 stars; one submission).

Conditions:
TRAPPC9-related disorder. Also called: TRAPPC9-related condition.

Submission:

PreventionGenetics, part of Exact Sciences
Classification: Likely benign for TRAPPC9-related condition. Last evaluated: 2021-05-24. Review status: no assertion criteria provided. Collection method: clinical testing. Allele origin: germline.
Comment: This variant is classified as likely benign based on ACMG/AMP sequence variant interpretation guidelines (Richards et al. 2015 PMID: 25741868, with internal and published modifications).